The following is an entry in ClinVar:

ClinVar aggregate classification (germline): Conflicting classifications of pathogenicity. Review status: criteria provided, conflicting classifications (1 of 4 stars). 14 submissions from 10 submitters: Uncertain significance (1); Benign (10); Likely benign (1). 2 of the submissions do not count toward it. Last evaluated 2026-02-04.

Conditions:
Diabetes mellitus, permanent neonatal 3. Also called: ABCC8-Related Permanent Neonatal Diabetes Mellitus. Identifiers: MedGen C5394303, MONDO:0030088, OMIM 618857.
Hereditary hyperinsulinism.
Diabetes mellitus, transient neonatal, 2 (TNDM2). Identifiers: Orphanet 99886, MedGen C1835887, MONDO:0012480, OMIM 610374. Disease mechanism: loss of function.
Leucine-induced hypoglycemia (LIH). Also called: LEUCINE-SENSITIVE HYPOGLYCEMIA OF INFANCY. Identifiers: MedGen C0271714, MONDO:0009415, OMIM 240800.
Hyperinsulinemic hypoglycemia, familial, 1 (HHF1). Also called: Persistent hyperinsulinemic hypoglycemia of infancy; NESIDIOBLASTOSIS OF PANCREAS; Persistent Hyperinsulinemia Hypoglycemia of Infancy; HYPERINSULINISM, FAMILIAL, WITH PANCREATIC NESIDIOBLASTOSIS; HYPOGLYCEMIA, HYPERINSULINEMIC, OF INFANCY. Identifiers: Orphanet 276575, Orphanet 276598, MedGen C2931832, MONDO:0009734, OMIM 256450.
Neonatal hypoglycemia. Identifiers: MedGen C0158986, HP:0001998.

Allele frequency attached by ClinVar (database versions not stated): gnomAD 0.05059 and 0.05036; gnomAD exomes 0.05495 and 0.05807; ESP Exome Variant Server 0.05544; ExAC 0.05621; 1000 Genomes Project 0.03115; 1000 Genomes Project 30x 0.03123; TOPMed 0.05012.
gnomAD v4.1: 92,823 of 1,614,124 alleles (5.8%); highest among the groups gnomAD compares: Middle Eastern, 10%; 3,148 homozygotes.

Submissions (14):

Labcorp Genetics (formerly Invitae), Labcorp
Classification: Benign. Last evaluated: 2026-02-04. Review status: criteria provided, single submitter. Criteria: Invitae Variant Classification Sherloc (09022015). Collection method: clinical testing. Allele origin: germline.

ARUP Laboratories, Molecular Genetics and Genomics, ARUP Laboratories
Classification: Benign. Last evaluated: 2025-07-22. Review status: criteria provided, single submitter. Criteria: ARUP Molecular Germline Variant Investigation Process 2024. Collection method: clinical testing. Allele origin: germline.

Blueprint Genetics
Classification: Benign. Last evaluated: 2024-11-27. Review status: criteria provided, single submitter. Criteria: ACMG Guidelines, 2015. Collection method: clinical testing. Allele origin: germline.

Pars Genome Lab
Classification: Benign for Leucine-induced hypoglycemia. Last evaluated: 2021-07-01. Review status: criteria provided, single submitter. Criteria: ACMG Guidelines, 2015. Collection method: clinical testing. Allele origin: germline. Affected: no.

Pars Genome Lab
Classification: Benign for Hyperinsulinemic hypoglycemia, familial, 1. Last evaluated: 2021-07-01. Review status: criteria provided, single submitter. Criteria: ACMG Guidelines, 2015. Collection method: clinical testing. Allele origin: germline. Affected: no.

Pars Genome Lab
Classification: Benign for Diabetes mellitus, transient neonatal, 2. Last evaluated: 2021-07-01. Review status: criteria provided, single submitter. Criteria: ACMG Guidelines, 2015. Collection method: clinical testing. Allele origin: germline. Affected: no.

Pars Genome Lab
Classification: Benign for Diabetes mellitus, permanent neonatal 3. Last evaluated: 2021-07-01. Review status: criteria provided, single submitter. Criteria: ACMG Guidelines, 2015. Collection method: clinical testing. Allele origin: germline. Affected: no.

GeneDx
Classification: Benign. Last evaluated: 2018-10-01. Review status: criteria provided, single submitter. Criteria: GeneDx Variant Classification Process June 2021. Collection method: clinical testing. Allele origin: germline. Affected: yes.

Illumina Laboratory Services, Illumina
Classification: Benign for Diabetes mellitus, transient neonatal, 2. Last evaluated: 2018-01-13. Review status: criteria provided, single submitter. Criteria: ICSL Variant Classification Criteria 13 December 2019. Collection method: clinical testing. Allele origin: germline.
Comment: This variant was observed in the ICSL laboratory as part of a predisposition screen in an ostensibly healthy population. It had not been previously curated by ICSL or reported in the Human Gene Mutation Database (HGMD: prior to June 1st, 2018), and was therefore a candidate for classification through an automated scoring system. Utilizing variant allele frequency, disease prevalence and penetrance estimates, and inheritance mode, an automated score was calculated to assess if this variant is too frequent to cause the disease. Based on the score and internal cut-off values, a variant classified as benign is not then subjected to further curation. The score for this variant resulted in a classification of benign for this disease.

Illumina Laboratory Services, Illumina
Classification: Likely benign for Hyperinsulinemic hypoglycemia, familial, 1. Last evaluated: 2018-01-13. Review status: criteria provided, single submitter. Criteria: ICSL Variant Classification Criteria 13 December 2019. Collection method: clinical testing. Allele origin: germline.
Comment: This variant was observed in the ICSL laboratory as part of a predisposition screen in an ostensibly healthy population. It had not been previously curated by ICSL or reported in the Human Gene Mutation Database (HGMD: prior to June 1st, 2018), and was therefore a candidate for classification through an automated scoring system. Utilizing variant allele frequency, disease prevalence and penetrance estimates, and inheritance mode, an automated score was calculated to assess if this variant is too frequent to cause the disease. Based on the score and internal cut-off values, a variant classified as likely benign is not then subjected to further curation. The score for this variant resulted in a classification of likely benign for this disease.

Clinical Genomics, Uppaluri K&H Personalized Medicine Clinic
Classification: Uncertain significance for Neonatal hypoglycemia. Review status: criteria provided, single submitter. Criteria: K&H Uppaluri Personalized Medicine Clinic Variant Classification & Assertion Criteria. Collection method: research. Allele origin: somatic. Inheritance: Autosomal dominant inheritance.
Comment: Mutations in the ABCC8 gene are associated with both neonatal diabetes mellitus as well as MODY. Patients with this mutation have a better response to sulfonylureas. However, the significance of rs8192690 in neonatal Diabetes Mellitus is uncertain.

PreventionGenetics, part of Exact Sciences
Classification: Benign. Review status: criteria provided, single submitter. Criteria: ACMG Guidelines, 2015. Collection method: clinical testing. Allele origin: germline.

Natera, Inc.
Classification: Benign for Hereditary hyperinsulinism. Last evaluated: 2019-11-22. Review status: no assertion criteria provided. Collection method: clinical testing. Allele origin: germline. Not counted in ClinVar's aggregate classification.

Genetic Services Laboratory, University of Chicago
Classification: Benign. Review status: no assertion criteria provided. Collection method: clinical testing. Allele origin: germline. Inheritance: Autosomal unknown. Not counted in ClinVar's aggregate classification.

Literature cited by the submitters: PubMed 16885549 (cited by Clinical Genomics, Uppaluri K&H Personalized Medicine Clinic); PubMed 17466004 (cited by Clinical Genomics, Uppaluri K&H Personalized Medicine Clinic).

NM_000352.6(ABCC8):c.4714G>A (p.Val1572Ile)

Gene: ABCC8 (ATP binding cassette subfamily C member 8; minus strand). Cytogenetic location: 11p15.1.
Variant type: single nucleotide variant.
Coding change: c.4714G>A on transcript NM_000352.6 (MANE Select); coding-DNA position 4714, G replaced by A.
Protein change: p.Val1572Ile; replaces valine 1572 with isoleucine.
Molecular consequence: missense variant. On other transcripts: non-coding transcript variant (1).
Genome position (GRCh38, 1-based): chr11:17,393,023, C>T on the plus strand (G>A on the coding strand, the complement: ABCC8 is on the minus strand). VCF-style: chr11-17393023-C-T. GRCh37 (hg19) VCF-style: chr11-17414570-C-T.
Other names: c.4717G>A, p.Val1573Ile (NM_001287174.3); c.4780G>A, p.Val1594Ile (NM_001351295.2); c.4714G>A, p.Val1572Ile (NM_001351296.2); c.4711G>A, p.Val1571Ile (NM_001351297.2); short protein forms V1572I, V1573I, V1594I, V1571I.
Identifiers: ClinVar variation 157705 (VCV000157705.33), dbSNP rs8192690, ClinGen allele CA171086.
Genomic context (GRCh38, chr11:17,393,023, plus strand): 5'-TGTGGGATGGCACTTGGGCTCTGGCAGGTCACTTGTCTGCACGGACGAAGGAGGCGAAGA[C>T]GCTGTCCTTCCGGCTGAGCAGCTTCTCTGGCTTATCGAACTCAAGGATGGCACCCCGCTT-3'
Protein context (NP_000343.2, residues 1562-1581): PEKLLSRKDS[Val1572Ile]FASFVRADK